The following is an entry in ClinVar:

ClinVar aggregate classification (germline): Uncertain significance (1 of 4 stars; one submission).

Allele frequency attached by ClinVar (database versions not stated): TOPMed below 0.00001; ExAC 0.00001; gnomAD exomes 0.00001.
gnomAD v4.1: 11 of 1,613,998 alleles (0.00068%); highest among the groups gnomAD compares: Non-Finnish European, 0.00085%; no homozygotes.

Submission:

Women's Health and Genetics/Laboratory Corporation of America, LabCorp
Classification: Uncertain significance. Last evaluated: 2023-04-11. Review status: criteria provided, single submitter. Criteria: LabCorp Variant Classification Summary - May 2015. Collection method: clinical testing. Allele origin: germline.
Comment: Variant summary: REEP2 c.752G>C (p.Gly251Ala) results in a non-conservative amino acid change in the encoded protein sequence. Four of five in-silico tools predict a damaging effect of the variant on protein function. The variant allele was found at a frequency of 4e-06 in 249454 control chromosomes (gnomAD). The available data on variant occurrences in the general population are insufficient to allow any conclusion about variant significance. To our knowledge, no occurrence of c.752G>C in individuals affected with Hereditary Spastic Paraplegia 72 and no experimental evidence demonstrating its impact on protein function have been reported. No clinical diagnostic laboratories have submitted clinical-significance assessments for this variant to ClinVar after 2014. Based on the evidence outlined above, the variant was classified as uncertain significance.

NM_001271803.2(REEP2):c.752G>C (p.Gly251Ala)

Gene: REEP2 (receptor accessory protein 2; plus strand). Cytogenetic location: 5q31.2.
Variant type: single nucleotide variant.
Coding change: c.752G>C on transcript NM_001271803.2 (MANE Select); coding-DNA position 752, G replaced by C.
Protein change: p.Gly251Ala; replaces glycine 251 with alanine.
Molecular consequence: missense variant. On other transcripts: non-coding transcript variant (2).
Genome position (GRCh38, 1-based): chr5:138,445,738, G>C. VCF-style: chr5-138445738-G-C. GRCh37 (hg19) VCF-style: chr5-137781427-G-C.
Other names: c.746G>C, p.Gly249Ala (NM_016606.4); short protein forms G249A, G251A.
Identifiers: ClinVar variation 2503970 (VCV002503970.1), dbSNP rs756423024, ClinGen allele CA3429920.
Genomic context (GRCh38, chr5:138,445,738, plus strand): 5'-CACAGCCACTGGCTTCCAAGACACTGAAGACCCGGCCCAAGAAGAAGACCTCTGGCGGGG[G>C]CGACTCAGCTTGAGCCCCTCCACCCCCGCAGGCTGCAGAGCAAGGATGAAGCCTCAGGAG-3'
Protein context (NP_001258732.1, residues 241-254): TRPKKKTSGG[Gly251Ala]DSA